The following is an entry in ClinVar:

ClinVar aggregate classification (germline): Likely benign. Review status: criteria provided, multiple submitters, no conflicts (2 of 4 stars). 2 submissions from 2 submitters: Likely benign (2). Last evaluated 2026-01-07.

Conditions:
C3 glomerulonephritis. Also called: C3 GLOMERULOPATHY 3; Nephropathy due to CFHR5 Deficiency. Identifiers: Orphanet 329931, MedGen C4055342, MONDO:0013892, OMIM 614809.
Complement component 3 deficiency. Identifiers: Orphanet 280133, MedGen C3151071, MONDO:0013417, OMIM 613779.
Atypical hemolytic-uremic syndrome. Identifiers: Orphanet 2134, MedGen C2931788, MONDO:0016244.

Allele frequency attached by ClinVar (database versions not stated): gnomAD exomes 0.00004; TOPMed 0.00006; ExAC 0.00008; gnomAD 0.00009; 1000 Genomes Project 30x 0.00016; 1000 Genomes Project 0.00020.
gnomAD v4.1: 73 of 1,613,700 alleles (0.0045%); highest among the groups gnomAD compares: East Asian, 0.087%; no homozygotes.

Submissions (2):

Labcorp Genetics (formerly Invitae), Labcorp
Classification: Likely benign. Last evaluated: 2026-01-07. Review status: criteria provided, single submitter. Criteria: Invitae Variant Classification Sherloc (09022015). Collection method: clinical testing. Allele origin: germline.

Genomenon, Inc
Classification: Likely benign for Complement component 3 deficiency; C3 glomerulonephritis; Atypical hemolytic-uremic syndrome. Last evaluated: 2025-09-30. Review status: criteria provided, single submitter. Criteria: Genomenon Sequence Variant Interpretation Standards. Collection method: curation. Allele origin: germline. Affected: no.
Comment: C3 c.1846-4G>A is a splice variant located in the acceptor splice region of intron 14. This variant has been reported in the published literature (PMID:30290665). In silico models agree that this variant is not damaging. This variant’s allele frequency in gnomAD is greater than expected for this disorder. In conclusion, we classify C3 c.1846-4G>A as a likely benign variant.

Literature cited by the submitters: PubMed 30290665 (cited by Genomenon, Inc).

NM_000064.4(C3):c.1846-4G>A

Gene: C3 (complement C3; minus strand). Cytogenetic location: 19p13.3.
Variant type: single nucleotide variant.
Coding change: c.1846-4G>A on transcript NM_000064.4 (MANE Select); 4 bases into the intron before coding-DNA position 1846, G replaced by A.
Molecular consequence: intron variant.
Genome position (GRCh38, 1-based): chr19:6,707,933, C>T on the plus strand (G>A on the coding strand, the complement: C3 is on the minus strand). VCF-style: chr19-6707933-C-T. GRCh37 (hg19) VCF-style: chr19-6707944-C-T.
Identifiers: ClinVar variation 1665612 (VCV001665612.9), dbSNP rs200010028, ClinGen allele CA9129290.